The following is an entry in ClinVar:

NM_015404.4(WHRN):c.1232C>T (p.Ser411Phe)

Gene: WHRN (whirlin; minus strand). Cytogenetic location: 9q32.
Variant type: single nucleotide variant.
Coding change: c.1232C>T on transcript NM_015404.4 (MANE Select); coding-DNA position 1232, C replaced by T.
Protein change: p.Ser411Phe; replaces serine 411 with phenylalanine.
Molecular consequence: missense variant.
Genome position (GRCh38, 1-based): chr9:114,424,518, G>A on the plus strand (C>T on the coding strand, the complement: WHRN is on the minus strand). VCF-style: chr9-114424518-G-A. GRCh37 (hg19) VCF-style: chr9-117186798-G-A.
Other names: c.83C>T, p.Ser28Phe (NM_001083885.3); c.1232C>T, p.Ser411Phe (NM_001173425.2); c.179C>T, p.Ser60Phe (NM_001346890.1); short protein forms S60F, S28F, S411F.
Identifiers: ClinVar variation 1504000 (VCV001504000.6), dbSNP rs1836632084, ClinGen allele CA374609125.
Genomic context (GRCh38, chr9:114,424,518, plus strand): 5'-CGAGCCTGCTCCTCCAGCAGCACTCGTGTCTGGTTCCCCAGGCTGCTCAGGGTCACCTGG[G>A]AGCCGGCTGGGCCCTTGTAAAATCCTGGCTGCAAGACAGAAAGATAGAAGCCCAGGAATT-3'
Protein context (NP_056219.3, residues 401-421): KPGFYKGPAG[Ser411Phe]QVTLSSLGNQ

ClinVar aggregate classification (germline): Uncertain significance (1 of 4 stars; one submission).

Allele frequency attached by ClinVar (database versions not stated): TOPMed below 0.00001.

Submission:

Labcorp Genetics (formerly Invitae), Labcorp
Classification: Uncertain significance. Last evaluated: 2023-07-10. Review status: criteria provided, single submitter. Criteria: Invitae Variant Classification Sherloc (09022015). Collection method: clinical testing. Allele origin: germline.
Comment: This variant is not present in population databases (gnomAD no frequency). This sequence change replaces serine, which is neutral and polar, with phenylalanine, which is neutral and non-polar, at codon 411 of the WHRN protein (p.Ser411Phe). This variant has not been reported in the literature in individuals affected with WHRN-related conditions. In summary, the available evidence is currently insufficient to determine the role of this variant in disease. Therefore, it has been classified as a Variant of Uncertain Significance. An algorithm developed to predict the effect of missense changes on protein structure and function (PolyPhen-2) suggests that this variant is likely to be disruptive. ClinVar contains an entry for this variant (Variation ID: 1504000).